The following is an entry in ClinVar:

ClinVar aggregate classification (germline): Pathogenic/Likely pathogenic. Review status: criteria provided, multiple submitters, no conflicts (2 of 4 stars). 24 submissions from 24 submitters: Pathogenic (18); Likely pathogenic (1). 5 of the submissions do not count toward it. Last evaluated 2026-02-14.

Conditions:
Thoracic aortic aneurysm or dissection.
Marfan Syndrome/Loeys-Dietz Syndrome/Familial Thoracic Aortic Aneurysms and Dissections. Identifiers: MedGen CN229799.
Familial thoracic aortic aneurysm and aortic dissection (TAAD). Also called: Thoracic aortic aneurysms and dissections. Identifiers: Orphanet 91387, MedGen C4707243, MONDO:0019625.
Marfan syndrome (MFS). Also called: MARFAN SYNDROME, TYPE I; FBN1-Related Marfan Syndrome; Marfan syndrome, classic; Marfan syndrome type 1; Marfan's syndrome. Identifiers: Orphanet 284963, Orphanet 558, MedGen C0024796, MONDO:0007947, OMIM 154700.
FBN1-related disorder. Also called: FBN1-related disorders.
Ischemic stroke. Also called: CEREBROVASCULAR ACCIDENT; Ischemic stroke, susceptibility to. Identifiers: MedGen C0948008, MONDO:1060198, OMIM 601367, HP:0002140.
Melanoma. Identifiers: MedGen C0025202, MeSH D008545, MONDO:0005105, HP:0002861.
Ectopia lentis. Identifiers: MedGen C0013581, HP:0001083.
Arachnodactyly. Identifiers: MedGen C0003706, HP:0001166.
High myopia. Also called: Severe Myopia. Identifiers: MedGen C0271183, HP:0011003.
Aortic root aneurysm. Also called: Aneurysm of aortic root. Identifiers: MedGen C1298820, HP:0002616.
Dissecting Aortic Aneurysm. Also called: Dissecting aortic dilatation. Identifiers: MedGen C0012736.

Allele frequency attached by ClinVar (database versions not stated): gnomAD exomes below 0.00001; gnomAD 0.00001; TOPMed below 0.00001.
gnomAD v4.1: 4 of 1,578,482 alleles (0.00025%); highest among the groups gnomAD compares: Non-Finnish European, 0.00035%; no homozygotes.

Submissions 1 to 8 of 24:

Clinical Genomics Laboratory, Washington University in St. Louis
Classification: Pathogenic for Marfan syndrome. Last evaluated: 2026-02-14. Review status: criteria provided, single submitter. Criteria: ACMG Guidelines, 2015. Collection method: clinical testing. Allele origin: germline. Affected: yes.
Comment: The FBN1 c.5788+5G>A variant, also published as IVS46+5G>A, has been reported in several individuals affected with Marfan syndrome and has been reported as occurring de novo in at least four affected individuals (Arbustini E et al., PMID: 16222657; Biggin A et al., PMID: 14695540; Comeglio P et al., PMID: 17657824; Loeys B et al., PMID: 11700157; Nijbroek G et al., PMID: 7611299; Rand-Hendriksen S et al., PMID: 17663468; Rommel K et al., PMID: 12402346; Sakai H et al., PMID: 16835936; Stheneur C et al., PMID: 19293843; Yuan B et al., PMID: 10533071). This variant has been reported in the ClinVar database as a germline pathogenic variant by 19 submitters and as a likely pathogenic variant by two submitters. This variant is only observed in 4/1,578,482 alleles in the general population (gnomAD v.4.1.0), indicating it is not a common variant. Computational predictors indicate that this variant would alter splicing, evidence that correlates to an impact of this variant FBN1 function. Functional studies show that this variant leads to in-frame skipping of exon 46, resulting in deletion of 39 amino acids within the calcium-binding EGF-like domain of the fibrillin-1 protein, indicating that this variant impacts protein function (Liu W et al., PMID: 8894692; Nijbroek G et al., PMID: 7611299). Based on available information and the ClinGen FBN1 Expert Panel Specifications to the ACMG/AMP Variant Interpretation Guidelines Version 1, this variant is classified as pathogenic.

NHS Central & South Genomic Laboratory Hub
Classification: Pathogenic for Thoracic aortic aneurysm or dissection. Last evaluated: 2025-09-25. Review status: criteria provided, single submitter. Criteria: ACMG Guidelines, 2015. Collection method: clinical testing. Allele origin: germline. Affected: yes.

Labcorp Genetics (formerly Invitae), Labcorp
Classification: Pathogenic for Marfan syndrome; Familial thoracic aortic aneurysm and aortic dissection. Last evaluated: 2025-08-06. Review status: criteria provided, single submitter. Criteria: Invitae Variant Classification Sherloc (09022015). Collection method: clinical testing. Allele origin: germline.
Comment: This sequence change falls in intron 47 of the FBN1 gene. It does not directly change the encoded amino acid sequence of the FBN1 protein. RNA analysis indicates that this variant induces altered splicing and likely results in a shortened protein product. This variant is not present in population databases (gnomAD no frequency). This variant has been observed in individual(s) with Marfan syndrome (PMID: 7611299, 11700157, 12402346, 14695540, 17657824, 17663468). In at least one individual the variant was observed to be de novo. This variant is also known as IVS46+5G>A. ClinVar contains an entry for this variant (Variation ID: 42394). Variants that disrupt the consensus splice site are a relatively common cause of aberrant splicing (PMID: 17576681, 9536098). Studies have shown that this variant results in skipping of exon 46, but is expected to preserve the integrity of the reading-frame (PMID: 7611299). For these reasons, this variant has been classified as Pathogenic.

3billion
Classification: Pathogenic for Marfan syndrome. Last evaluated: 2025-07-25. Review status: criteria provided, single submitter. Criteria: ACMG Guidelines, 2015. Collection method: clinical testing. Allele origin: germline. Affected: yes.
Comment: The variant is observed at an extremely low frequency in the gnomAD v4.1.0 dataset (total allele frequency: <0.001%). Predicted Consequence/Location: Intron variant: previously reported to result in an inframe deletion (PMID: 7611299). In silico tools predict the variant to alter splicing and produce an abnormal transcript [SpliceAI: 0.47 (spliceogenicity >=0.2, non-spliceogenicity <0.1)]. Intron variant: previously reported to result in an inframe deletion (PMID: 7611299). Therefore, this variant is classified as Pathogenic according to the recommendation of ACMG/AMP guideline.

Ambry Genetics
Classification: Pathogenic for Familial thoracic aortic aneurysm and aortic dissection. Last evaluated: 2024-10-07. Review status: criteria provided, single submitter. Criteria: Ambry Variant Classification Scheme 2023. Collection method: clinical testing. Allele origin: germline.
Comment: The c.5788+5G>A intronic pathogenic mutation results from a G to A substitution 5 nucleotides downstream of coding exon 46 in the FBN1 gene. This mutation (also referred to as IVS 46+5G>A) was first described in three unrelated patients (two of whom were reported as de novo) with classic Marfan syndrome (MFS), and was shown to cause exon 46 skipping by mRNA analysis using cultured skin fibroblasts from one patient (Nijbroek G et al, Am. J. Hum. Genet. 1995 Jul; 57(1):8-21). This mutation has also been described in multiple additional patients with MFS with additional reported de novo occurrences (Loeys B et al, Arch. Intern. Med. 2001 Nov; 161(20):2447-54; Rommel K et al, Hum. Mutat. 2002 Nov; 20(5):406-7; Arbustini E et al, Hum. Mutat. 2005 Nov; 26(5):494; Sakai H et al, Am. J. Med. Genet. A 2006 Aug; 140(16):1719-25; Rand-Hendriksen S et al, Am. J. Med. Genet. A 2007 Sep; 143A(17):1968-77; S&ouml;ylen B et al, Clin. Genet. 2009 Mar; 75(3):265-70; Baetens M et al, Hum. Mutat. 2011 Sep; 32(9):1053-62; Li J et al. Sci China Life Sci. 2019;62(12):1630-1637). This nucleotide position is highly conserved in available vertebrate species. In silico splice site analysis predicts that this alteration may weaken the native splice donor site and may result in the creation or strengthening of a novel splice donor site. This variant is considered to be rare based on population cohorts in the Genome Aggregation Database (gnomAD). Based on the supporting evidence, this alteration is interpreted as a disease-causing mutation.

Blueprint Genetics
Classification: Pathogenic for FBN1-related disorders. Last evaluated: 2024-04-12. Review status: criteria provided, single submitter. Criteria: ACMG Guidelines, 2015. Collection method: clinical testing. Allele origin: germline. Affected: yes. Observed: 3 variant alleles.

Genomic Medicine Center of Excellence, King Faisal Specialist Hospital and Research Centre
Classification: Pathogenic for Marfan syndrome. Last evaluated: 2024-04-04. Review status: criteria provided, single submitter. Criteria: ACMG Guidelines, 2015. Collection method: clinical testing. Allele origin: germline.

All of Us Research Program, National Institutes of Health
Classification: Pathogenic for Marfan syndrome. Last evaluated: 2023-11-07. Review status: criteria provided, single submitter. Criteria: ACMG Guidelines, 2015. Collection method: clinical testing. Allele origin: germline. Inheritance: Autosomal dominant inheritance. Observed: 1 variant allele, 1 heterozygote.
Comment: The c.5788+5G>A intronic variant in the FBN1 gene has been detected in heterozygous status including de novo occurrences in multiple unrelated individuals (>15) with classic Marfan syndrome features (PMID: 7611299, 11700157, 12402346, 8894692, 21542060, 16222657). Functional studies using RT-PCR performed on patient derived fibroblasts harboring this variant demonstrated in-frame skipping of the preceding exon 46 (117bp), resulting in aberrant protein product with deletion of 39 amino acids from the calcium-binding EGF-like domain of the fibrillin-1 protein (PMID: 7611299, 8894692). This variant is absent in the general population database gnomAD and is interpreted as pathogenic by several submitters in ClinVar database (ClinVar ID: 42394). Therefore, the c.5788+5G>A variant in FBN1 is classified as pathogenic.

This study involves interpretation of variants in research participants for the purpose of population health screening. Participant phenotype was not available at the time of variant classification. Additional details can be found in publication PMID: 35346344, PMCID: PMC8962531

NM_000138.5(FBN1):c.5788+5G>A

Gene: FBN1 (fibrillin 1; minus strand). Cytogenetic location: 15q21.1.
Variant type: single nucleotide variant.
Coding change: c.5788+5G>A on transcript NM_000138.5 (MANE Select); 5 bases into the intron after coding-DNA position 5788, G replaced by A.
Molecular consequence: intron variant.
Genome position (GRCh38, 1-based): chr15:48,446,701, C>T on the plus strand (G>A on the coding strand, the complement: FBN1 is on the minus strand). VCF-style: chr15-48446701-C-T. GRCh37 (hg19) VCF-style: chr15-48738898-C-T.
Other names: IVS46+5G-A.
Identifiers: ClinVar variation 42394 (VCV000042394.78), dbSNP rs193922219, ClinGen allele CA016065.